The following is an entry in ClinVar:

ClinVar aggregate classification (germline): Uncertain significance. Review status: criteria provided, multiple submitters, no conflicts (2 of 4 stars). 2 submissions from 2 submitters: Uncertain significance (2). Last evaluated 2023-12-21.

Conditions:
Hereditary cancer-predisposing syndrome. Also called: Tumor predisposition; Neoplastic Syndromes, Hereditary; Hereditary neoplastic syndrome; Hereditary Cancer Syndrome. Identifiers: Orphanet 140162, MedGen C0027672, MeSH D009386, MONDO:0015356.

Allele frequency attached by ClinVar (database versions not stated): gnomAD exomes below 0.00001.
gnomAD v4.1: 1 of 1,613,772 alleles (0.000062%); highest among the groups gnomAD compares: Non-Finnish European, 0.000085%; no homozygotes.

Submissions (2):

Ambry Genetics
Classification: Uncertain significance for Hereditary cancer-predisposing syndrome. Last evaluated: 2023-12-21. Review status: criteria provided, single submitter. Criteria: Ambry Variant Classification Scheme 2023. Collection method: clinical testing. Allele origin: germline.
Comment: The p.P1112L variant (also known as c.3335C>T), located in coding exon 22 of the ATM gene, results from a C to T substitution at nucleotide position 3335. The proline at codon 1112 is replaced by leucine, an amino acid with similar properties. This alteration has been detected in 1/4,112 breast cancer patients and 0/2,399 healthy control individuals across numerous studies (Tavtigian SV et al. Am J Hum Genet, 2009 Oct;85:427-46). This amino acid position is highly conserved in available vertebrate species. In addition, this alteration is predicted to be deleterious by in silico analysis. Since supporting evidence is limited at this time, the clinical significance of this alteration remains unclear.

Color Diagnostics, LLC DBA Color Health
Classification: Uncertain significance for Hereditary cancer-predisposing syndrome. Last evaluated: 2019-05-08. Review status: criteria provided, single submitter. Criteria: ACMG Guidelines, 2015. Collection method: clinical testing. Allele origin: germline.

Literature cited by the submitters: PubMed 19781682 (cited by Ambry Genetics).

NM_000051.4(ATM):c.3335C>T (p.Pro1112Leu)

Gene: ATM (ATM serine/threonine kinase; plus strand). Cytogenetic location: 11q22.3.
Variant type: single nucleotide variant.
Coding change: c.3335C>T on transcript NM_000051.4 (MANE Select); coding-DNA position 3335, C replaced by T.
Protein change: p.Pro1112Leu; replaces proline 1112 with leucine.
Molecular consequence: missense variant.
Genome position (GRCh38, 1-based): chr11:108,279,541, C>T. VCF-style: chr11-108279541-C-T. GRCh37 (hg19) VCF-style: chr11-108150268-C-T.
Other names: c.3335C>T, p.Pro1112Leu (NM_001351834.2); short protein forms P1112L.
Identifiers: ClinVar variation 631309 (VCV000631309.4), dbSNP rs1064795850, ClinGen allele CA382517574.